The following is an entry in ClinVar:

ClinVar aggregate classification (germline): Uncertain significance (1 of 4 stars; one submission).

Conditions:
Inborn genetic diseases. Identifiers: MedGen C0950123, MeSH D030342.

Submission:

Ambry Genetics
Classification: Uncertain significance for Inborn genetic diseases. Last evaluated: 2024-06-22. Review status: criteria provided, single submitter. Criteria: Ambry Variant Classification Scheme 2023. Collection method: clinical testing. Allele origin: germline.
Comment: The p.I56V variant (also known as c.166A>G), located in coding exon 2 of the EPAS1 gene, results from an A to G substitution at nucleotide position 166. The isoleucine at codon 56 is replaced by valine, an amino acid with highly similar properties. This amino acid position is conserved. In addition, this alteration is predicted to be tolerated by in silico analysis. Based on the available evidence, the clinical significance of this variant remains unclear.

NM_001430.5(EPAS1):c.166A>G (p.Ile56Val)

Gene: EPAS1 (endothelial PAS domain protein 1; plus strand). Cytogenetic location: 2p21.
Variant type: single nucleotide variant.
Coding change: c.166A>G on transcript NM_001430.5 (MANE Select); coding-DNA position 166, A replaced by G.
Protein change: p.Ile56Val; replaces isoleucine 56 with valine.
Molecular consequence: missense variant.
Genome position (GRCh38, 1-based): chr2:46,347,012, A>G. VCF-style: chr2-46347012-A-G. GRCh37 (hg19) VCF-style: chr2-46574151-A-G.
Other names: short protein forms I56V.
Identifiers: ClinVar variation 3275676 (VCV003275676.1).